The following is an entry in ClinVar:

ClinVar aggregate classification (germline): Pathogenic/Likely pathogenic. Review status: criteria provided, multiple submitters, no conflicts (2 of 4 stars). 3 submissions from 3 submitters: Pathogenic (1); Likely pathogenic (2). Last evaluated 2023-10-03.

Conditions:
Marfan Syndrome/Loeys-Dietz Syndrome/Familial Thoracic Aortic Aneurysms and Dissections. Identifiers: MedGen CN229799.
Marfan syndrome (MFS). Also called: Marfan syndrome, classic; FBN1-Related Marfan Syndrome; Marfan syndrome type 1; Marfan's syndrome; MARFAN SYNDROME, TYPE I. Identifiers: Orphanet 284963, Orphanet 558, MedGen C0024796, MONDO:0007947, OMIM 154700.
Familial thoracic aortic aneurysm and aortic dissection (TAAD). Also called: Thoracic aortic aneurysms and dissections. Identifiers: Orphanet 91387, MedGen C4707243, MONDO:0019625.

Submissions (3):

Labcorp Genetics (formerly Invitae), Labcorp
Classification: Pathogenic for Marfan syndrome; Familial thoracic aortic aneurysm and aortic dissection. Last evaluated: 2023-10-03. Review status: criteria provided, single submitter. Criteria: Invitae Variant Classification Sherloc (09022015). Collection method: clinical testing. Allele origin: germline.
Comment: This sequence change replaces isoleucine, which is neutral and non-polar, with methionine, which is neutral and non-polar, at codon 2118 of the FBN1 protein (p.Ile2118Met). This variant is not present in population databases (gnomAD no frequency). This missense change has been observed in individuals with Marfan syndrome (PMID: 17657824; Invitae). ClinVar contains an entry for this variant (Variation ID: 180039). Advanced modeling of protein sequence and biophysical properties (such as structural, functional, and spatial information, amino acid conservation, physicochemical variation, residue mobility, and thermodynamic stability) performed at Invitae indicates that this missense variant is not expected to disrupt FBN1 protein function. Algorithms developed to predict the effect of sequence changes on RNA splicing suggest that this variant may disrupt the consensus splice site. For these reasons, this variant has been classified as Pathogenic.

Women's Health and Genetics/Laboratory Corporation of America, LabCorp
Classification: Likely pathogenic for Marfan Syndrome/Loeys-Dietz Syndrome/Familial Thoracic Aortic Aneurysms and Dissections. Last evaluated: 2017-11-21. Review status: criteria provided, single submitter. Criteria: LabCorp Variant Classification Summary - May 2015. Collection method: clinical testing. Allele origin: germline.
Comment: Variant summary: The FBN1 c.6354C>G (p.Ile2118Met) variant involves the alteration of a non-conserved nucleotide and 3/3 in silico tools predict a benign outcome for this variant (SNPsandGO and MutationTaster not captured due to low reliability index and p-value, respectively). This variant is absent in 276492 control chromosomes (publication controls and gnomAD). The variant has been reported in 1 individual with Marfan syndrome (Comeglio 2007) and described in ClinVar in a patient with Marfan syndrome as a de novo event. Another variant affecting the same nucleotide, c.6354C>T (p.Ile2118Ile - scored DV by LCA) has been reported and found to cause skipping of exon 52 (PMID: 9241263), 3/5 splicing prediction tools for the variant of interest do predict an impact on splicing. However, these predictions have not been functionally assessed. In addition, a clinical diagnostic laboratory has classified the variant as "likely pathogenic." Taken together, this variant is classified as likely pathogenic.

Laboratory for Molecular Medicine, Mass General Brigham Personalized Medicine
Classification: Likely pathogenic for Marfan syndrome. Last evaluated: 2014-11-17. Review status: criteria provided, single submitter. Criteria: LMM Criteria. Collection method: clinical testing. Allele origin: germline. Inheritance: Autosomal dominant inheritance. Observed: 1 variant allele.
Comment: It was absent from large populat ion studies. Computational prediction tools and conservation analysis do not pro vide strong support for or against an impact to the protein. Additionally, anoth er variant affecting the same nucleotide (p.Ile2118Ile) has been shown to lead t o skipping of exon 51 (Liu 1997), suggesting changes to this nucleotide position may not be tolerated. In summary, although additional studies are required to f ully establish its clinical significance, the p.Ile2118Met variant is likely pat hogenic.

Literature cited by the submitters: PubMed 17657824 (cited by 3 submitters); PubMed 9241263 (cited by Laboratory for Molecular Medicine, Mass General Brigham Personalized Medicine).

NM_000138.5(FBN1):c.6354C>G (p.Ile2118Met)

Gene: FBN1 (fibrillin 1; minus strand). Cytogenetic location: 15q21.1.
Variant type: single nucleotide variant.
Coding change: c.6354C>G on transcript NM_000138.5 (MANE Select); coding-DNA position 6354, C replaced by G.
Protein change: p.Ile2118Met; replaces isoleucine 2118 with methionine.
Molecular consequence: missense variant.
Genome position (GRCh38, 1-based): chr15:48,437,347, G>C on the plus strand (C>G on the coding strand, the complement: FBN1 is on the minus strand). VCF-style: chr15-48437347-G-C. GRCh37 (hg19) VCF-style: chr15-48729544-G-C.
Other names: short protein forms I2118M.
Identifiers: ClinVar variation 180039 (VCV000180039.12), dbSNP rs112989722, ClinGen allele CA016350.
Genomic context (GRCh38, chr15:48,437,347, plus strand): 5'-TGAGAAATGCTGAGAATCCAGCACAGGCAACTGACCAACTGCTGAATCATCAGGTCCCAC[G>C]ATGATCCCACTTCCATAAGGACATATCTGGCGGAAGGCCTCTGTGGTGGAGACACTCATT-3'
Protein context (NP_000129.3, residues 2108-2128): RQICPYGSGI[Ile2118Met]VGPDDSAVDM